The following is an entry in ClinVar:

ClinVar aggregate classification (germline): Pathogenic (1 of 4 stars; one submission).

Conditions:
Abetalipoproteinaemia (ABL). Also called: MTP DEFICIENCY; Abetalipoproteinemia; Abetalipoproteinemia neuropathy; Apolipoprotein B deficiency; Congenital betalipoprotein deficiency syndrome. Identifiers: Orphanet 14, MedGen C0000744, MONDO:0008692, OMIM 200100, HP:0008181.

Submission:

Myriad Genetics, Inc.
Classification: Pathogenic for Abetalipoproteinaemia. Last evaluated: 2024-05-14. Review status: criteria provided, single submitter. Criteria: Myriad Autosomal Dominant, Autosomal Recessive and X-Linked Classification Criteria (2023). Collection method: clinical testing. Allele origin: unknown.
Comment: NM_000253.2(MTTP):c.398_399delAA(K133Rfs*8) is expected to be pathogenic in the context of abetalipoproteinemia. This variant is predicted to lead to an abnormal or absent protein product due to the creation of a premature termination codon in MTTP, a gene where loss-of-function variants are known to be pathogenic. Please note: this variant was assessed in the context of healthy population screening.

NM_001386140.1(MTTP):c.398_399del (p.Lys133fs)

Gene: MTTP (microsomal triglyceride transfer protein; plus strand). Cytogenetic location: 4q23.
Variant type: Deletion.
Coding change: c.398_399del on transcript NM_001386140.1 (MANE Select); coding-DNA positions 398 to 399, 2 bases deleted (AA; older notation c.398_399delAA).
Protein change: p.Lys133fs; shifts the reading frame from lysine 133.
Molecular consequence: frameshift variant.
Genome position (GRCh38, 1-based): chr4:99,589,647-99,589,648, AA deleted; deleting any 2 consecutive bases within chr4:99,589,646-99,589,648 gives the same sequence; the c. name uses the placement nearest the transcript's 3' end. VCF-style (leftmost placement, unchanged base first): chr4-99589645-CAA-C. GRCh37 (hg19) VCF-style: chr4-100510802-CAA-C.
Other names: c.398_399del, p.Lys133fs (NM_000253.4); c.149_150del, p.Lys50fs (NM_001300785.2); short protein forms K133fs, K50fs.
Identifiers: ClinVar variation 5010630 (VCV005010630.1).